The following is an entry in ClinVar:

ClinVar aggregate classification (germline): Conflicting classifications of pathogenicity. Review status: criteria provided, conflicting classifications (1 of 4 stars). 2 submissions from 2 submitters: Pathogenic (1); Uncertain significance (1). Last evaluated 2025-12-03.

Conditions:
Retinal disorder. Also called: Retinopathy; Retinopathies; Retinal Diseases; Retinal disorders. Identifiers: MedGen C0035309, MONDO:0005283, HP:0000488.

gnomAD v4.1: 7 of 1,600,012 alleles (0.00044%); highest among the groups gnomAD compares: African/African-American, 0.0013%; no homozygotes.

Submissions (2):

Genetics Laboratory, Great Ormond Street Hospital NHS Foundation Trust, North Thames Genomic Laboratory Hub
Classification: Pathogenic for Retinal disorders. Last evaluated: 2025-12-03. Review status: criteria provided, single submitter. Criteria: ACGS Best Practice Guidelines for Variant Classification in Rare Disease 2024 v1.2. Collection method: clinical testing. Allele origin: germline. Affected: yes.
Comment: PM2_moderate, PVS1_very-strong

Blueprint Genetics
Classification: Uncertain significance. Last evaluated: 2022-08-24. Review status: criteria provided, single submitter. Criteria: ACMG Guidelines, 2015. Collection method: clinical testing. Allele origin: germline.

NM_001377.3(DYNC2H1):c.11494-2A>G

Gene: DYNC2H1 (dynein cytoplasmic 2 heavy chain 1; plus strand). Cytogenetic location: 11q22.3.
Variant type: single nucleotide variant.
Coding change: c.11494-2A>G on transcript NM_001377.3 (MANE Select); the canonical splice acceptor site of the intron before coding-DNA position 11494, A replaced by G.
Molecular consequence: splice acceptor variant.
Genome position (GRCh38, 1-based): chr11:103,311,876, A>G. VCF-style: chr11-103311876-A-G. GRCh37 (hg19) VCF-style: chr11-103182605-A-G.
Other names: c.11515-2A>G (NM_001080463.2).
Identifiers: ClinVar variation 4688056 (VCV004688056.2).
Genomic context (GRCh38, chr11:103,311,876, plus strand): 5'-AAATCTAATATATTTTACTTGTAGGATTTTAGCAATAGGATGTCTGTTGATTTTTTTTCT[A>G]GTCACCTCCAGGTTTAAAGAAGAATTTAATGCGTACTTATGAGTCTTGGACTCCTGAGCA-3'